The following is an entry in ClinVar:

NM_004859.4(CLTC):c.4192-3T>G

Genes: CLTC (clathrin heavy chain; plus strand), LOC126862609 (CDK7 strongly-dependent group 2 enhancer GRCh37_chr17:57760547-57761746; plus strand). Cytogenetic location: 17q23.1.
Variant type: single nucleotide variant.
Coding change: c.4192-3T>G on transcript NM_004859.4 (MANE Select); 3 bases into the intron before coding-DNA position 4192, T replaced by G.
Molecular consequence: intron variant.
Genome position (GRCh38, 1-based): chr17:59,683,622, T>G. VCF-style: chr17-59683622-T-G. GRCh37 (hg19) VCF-style: chr17-57760983-T-G.
Other names: c.4204-3T>G (NM_001288653.2).
Identifiers: ClinVar variation 1306807 (VCV001306807.2), dbSNP rs2143596394, ClinGen allele CA2573054513.

ClinVar aggregate classification (germline): Uncertain significance (1 of 4 stars; one submission).

Submission:

GeneDx
Classification: Uncertain significance. Last evaluated: 2019-07-24. Review status: criteria provided, single submitter. Criteria: GeneDx Variant Classification Process June 2021. Collection method: clinical testing. Allele origin: germline. Affected: yes.
Comment: Not observed in large population cohorts (Lek et al., 2016); In silico analysis, which includes splice predictors and evolutionary conservation, supports a deleterious effect; Has not been previously published as pathogenic or benign to our knowledge